The following is an entry in ClinVar:

ClinVar aggregate classification (germline): Uncertain significance (1 of 4 stars; one submission).

Conditions:
Severe combined immunodeficiency due to DNA-PKcs deficiency. Also called: IMMUNODEFICIENCY 26 WITH NEUROLOGIC ABNORMALITIES; Immunodeficiency 26 with or without neurologic abnormalities. Identifiers: Orphanet 317425, MedGen C4014833, MONDO:0014423, OMIM 615966.

Submission:

Labcorp Genetics (formerly Invitae), Labcorp
Classification: Uncertain significance for Severe combined immunodeficiency due to DNA-PKcs deficiency. Last evaluated: 2021-11-10. Review status: criteria provided, single submitter. Criteria: Invitae Variant Classification Sherloc (09022015). Collection method: clinical testing. Allele origin: germline.
Comment: This variant has not been reported in the literature in individuals affected with PRKDC-related conditions. This sequence change replaces valine, which is neutral and non-polar, with leucine, which is neutral and non-polar, at codon 3717 of the PRKDC protein (p.Val3717Leu). This variant is not present in population databases (gnomAD no frequency). Experimental studies and prediction algorithms are not available or were not evaluated, and the functional significance of this variant is currently unknown. In summary, the available evidence is currently insufficient to determine the role of this variant in disease. Therefore, it has been classified as a Variant of Uncertain Significance.

NM_006904.7(PRKDC):c.11149G>C (p.Val3717Leu)

Gene: PRKDC (protein kinase, DNA-activated, catalytic subunit; minus strand). Cytogenetic location: 8q11.21.
Variant type: single nucleotide variant.
Coding change: c.11149G>C on transcript NM_006904.7 (MANE Select); coding-DNA position 11149, G replaced by C.
Protein change: p.Val3717Leu; replaces valine 3717 with leucine.
Molecular consequence: missense variant.
Genome position (GRCh38, 1-based): chr8:47,783,768, C>G on the plus strand (G>C on the coding strand, the complement: PRKDC is on the minus strand). VCF-style: chr8-47783768-C-G. GRCh37 (hg19) VCF-style: chr8-48696329-C-G.
Other names: c.11149G>C, p.Val3717Leu (NM_001081640.2); short protein forms V3717L.
Identifiers: ClinVar variation 1428842 (VCV001428842.6), dbSNP rs747860848, ClinGen allele CA371130704.